The following is an entry in ClinVar:

NM_000368.5(TSC1):c.1210G>T (p.Asp404Tyr)

Gene: TSC1 (TSC complex subunit 1; minus strand). Cytogenetic location: 9q34.13.
Variant type: single nucleotide variant.
Coding change: c.1210G>T on transcript NM_000368.5 (MANE Select); coding-DNA position 1210, G replaced by T.
Protein change: p.Asp404Tyr; replaces aspartic acid 404 with tyrosine.
Molecular consequence: missense variant.
Genome position (GRCh38, 1-based): chr9:132,910,624, C>A on the plus strand (G>T on the coding strand, the complement: TSC1 is on the minus strand). VCF-style: chr9-132910624-C-A. GRCh37 (hg19) VCF-style: chr9-135786011-C-A.
Other names: c.1207G>T, p.Asp403Tyr (NM_001162426.2); c.1057G>T, p.Asp353Tyr (NM_001162427.2); c.847G>T, p.Asp283Tyr (NM_001362177.2); c.1210G>T (NM_000368.4); short protein forms D403Y, D404Y, D283Y, D353Y.
Identifiers: ClinVar variation 1040101 (VCV001040101.10), dbSNP rs1845900843, ClinGen allele CA375366939.

ClinVar aggregate classification (germline): Uncertain significance. Review status: criteria provided, multiple submitters, no conflicts (2 of 4 stars). 3 submissions from 3 submitters: Uncertain significance (3). Last evaluated 2024-03-07.

Conditions:
Hereditary cancer-predisposing syndrome. Also called: Hereditary neoplastic syndrome; Neoplastic Syndromes, Hereditary; Tumor predisposition; Hereditary Cancer Syndrome. Identifiers: Orphanet 140162, MedGen C0027672, MeSH D009386, MONDO:0015356.
Tuberous sclerosis 1 (TSC1). Identifiers: Orphanet 805, MedGen C1854465, MONDO:0008612, OMIM 191100.
Lymphangiomyomatosis (LAM). Also called: Lymphangioleiomyomatosis, somatic; Lymphangioleiomyomatosis. Identifiers: Orphanet 538, MedGen C0751674, MONDO:0011705, OMIM 606690.
Isolated focal cortical dysplasia type II (FCORD2). Also called: CORTICAL DYSPLASIA OF TAYLOR; Focal cortical dysplasia type II. Identifiers: Orphanet 268994, MedGen C1846385, MONDO:0011818, OMIM 607341, HP:0032051.

Submissions (3):

Ambry Genetics
Classification: Uncertain significance for Hereditary cancer-predisposing syndrome. Last evaluated: 2024-03-07. Review status: criteria provided, single submitter. Criteria: Ambry Variant Classification Scheme 2023. Collection method: clinical testing. Allele origin: germline.
Comment: The p.D404Y variant (also known as c.1210G>T), located in coding exon 10 of the TSC1 gene, results from a G to T substitution at nucleotide position 1210. The aspartic acid at codon 404 is replaced by tyrosine, an amino acid with highly dissimilar properties. This amino acid position is conserved. In addition, the in silico prediction for this alteration is inconclusive. Based on the available evidence, the clinical significance of this alteration remains unclear.

Fulgent Genetics
Classification: Uncertain significance for Tuberous sclerosis 1; Lymphangiomyomatosis; Isolated focal cortical dysplasia type II. Last evaluated: 2023-12-24. Review status: criteria provided, single submitter. Criteria: ACMG Guidelines, 2015. Collection method: clinical testing. Allele origin: germline.

Labcorp Genetics (formerly Invitae), Labcorp
Classification: Uncertain significance for Tuberous sclerosis 1. Last evaluated: 2020-07-08. Review status: criteria provided, single submitter. Criteria: Invitae Variant Classification Sherloc (09022015). Collection method: clinical testing. Allele origin: germline.
Comment: This variant is not present in population databases (ExAC no frequency). In summary, the available evidence is currently insufficient to determine the role of this variant in disease. Therefore, it has been classified as a Variant of Uncertain Significance. Algorithms developed to predict the effect of sequence changes on RNA splicing suggest that this variant may create or strengthen a splice site, but this prediction has not been confirmed by published transcriptional studies. Algorithms developed to predict the effect of missense changes on protein structure and function are either unavailable or do not agree on the potential impact of this missense change (SIFT: "Deleterious"; PolyPhen-2: "Probably Damaging"; Align-GVGD: "Class C0"). This variant has not been reported in the literature in individuals with TSC1-related conditions. This sequence change replaces aspartic acid with tyrosine at codon 404 of the TSC1 protein (p.Asp404Tyr). The aspartic acid residue is moderately conserved and there is a large physicochemical difference between aspartic acid and tyrosine.